The following is an entry in ClinVar:

ClinVar aggregate classification (germline): Benign. Review status: criteria provided, multiple submitters, no conflicts (2 of 4 stars). 2 submissions from 2 submitters: Benign (2). Last evaluated 2018-06-14.

Allele frequency attached by ClinVar (database versions not stated): TOPMed 0.07575; 1000 Genomes Project 0.07648; 1000 Genomes Project 30x 0.07761; gnomAD 0.08784 and 0.08903; gnomAD exomes 0.11165.
gnomAD v4.1: 82,284 of 770,224 alleles (11%); highest among the groups gnomAD compares: East Asian, 12%; 5,007 homozygotes.

Submissions (2):

GeneDx
Classification: Benign. Last evaluated: 2018-06-14. Review status: criteria provided, single submitter. Criteria: GeneDx Variant Classification (06012015). Collection method: clinical testing. Allele origin: germline. Affected: yes.
Comment: This variant is considered likely benign or benign based on one or more of the following criteria: it is a conservative change, it occurs at a poorly conserved position in the protein, it is predicted to be benign by multiple in silico algorithms, and/or has population frequency not consistent with disease.

Breakthrough Genomics
Classification: Benign. Review status: criteria provided, single submitter. Criteria: ACMG Guidelines, 2015. Collection method: not provided. Allele origin: germline. Inheritance: Autosomal recessive inheritance. Affected: yes.

NM_001377.3(DYNC2H1):c.6478-135T>C

Gene: DYNC2H1 (dynein cytoplasmic 2 heavy chain 1; plus strand). Cytogenetic location: 11q22.3.
Variant type: single nucleotide variant.
Coding change: c.6478-135T>C on transcript NM_001377.3 (MANE Select); 135 bases into the intron before coding-DNA position 6478, T replaced by C.
Molecular consequence: intron variant.
Genome position (GRCh38, 1-based): chr11:103,184,761, T>C. VCF-style: chr11-103184761-T-C. GRCh37 (hg19) VCF-style: chr11-103055490-T-C.
Other names: c.6478-135T>C (NM_001080463.2).
Identifiers: ClinVar variation 669880 (VCV000669880.2), dbSNP rs17374415, ClinGen allele CA15706813.
Genomic context (GRCh38, chr11:103,184,761, plus strand): 5'-GTACTTTCATGATTACTTTTTATTTTCAAAGTATATATAAAAATTGAATGAAATCCAAAC[T>C]TTCTACAGTTTGAATAGAGGAGTGAGTTTAAAAATGGTTCTTGAAAAGGTATGTGAACAT-3'